The following is an entry in ClinVar:

ClinVar aggregate classification (germline): Pathogenic. Review status: criteria provided, multiple submitters, no conflicts (2 of 4 stars). 2 submissions from 2 submitters: Pathogenic (2). Last evaluated 2025-12-29.

Conditions:
Epilepsy, X-linked 1, with variable learning disabilities and behavior disorders. Also called: X-linked epilepsy-learning disabilities-behavior disorders syndrome. Identifiers: Orphanet 85294, MedGen C5774177, MONDO:0010339, OMIM 300491.
SYN1-related disorder. Also called: SYN1-related condition; SYN1-Related Disorders.

Submissions (2):

Women's Health and Genetics/Laboratory Corporation of America, LabCorp
Classification: Pathogenic for SYN1-Related Disorders. Last evaluated: 2025-12-29. Review status: criteria provided, single submitter. Criteria: LabCorp Variant Classification Summary - May 2015. Collection method: clinical testing. Allele origin: germline.
Comment: Variant summary: SYN1 c.1258dupC (p.Arg420ProfsX256) causes a frameshift which results in an extension of the protein. The frequency data for this variant in gnomAD is considered unreliable, as metrics indicate poor data quality at this position. c.1258dupC has been observed in individual(s) affected with SYN1-Related Disorders (Parenti_2022). To our knowledge, no experimental evidence demonstrating an impact on protein function has been reported. The following publication have been ascertained in the context of this evaluation (PMID: 36568968). ClinVar contains an entry for this variant (Variation ID: 1700042). Based on the evidence outlined above, the variant was classified as pathogenic.

Institute for Human Genetics, University Hospital Essen
Classification: Pathogenic for Epilepsy, X-linked 1, with variable learning disabilities and behavior disorders. Last evaluated: 2022-07-30. Review status: criteria provided, single submitter. Criteria: ACMG Guidelines, 2015. Collection method: clinical testing. Allele origin: maternal. Affected: yes.

Literature cited by the submitters: PubMed 36568968 (cited by Women's Health and Genetics/Laboratory Corporation of America, LabCorp and Institute for Human Genetics, University Hospital Essen).

NM_006950.3(SYN1):c.1258dup (p.Arg420fs)

Gene: SYN1 (synapsin I; minus strand). Cytogenetic location: Xp11.3.
Variant type: Duplication.
Coding change: c.1258dup on transcript NM_006950.3 (MANE Select); coding-DNA position 1258, one base duplicated (C; older notation c.1258dupC).
Protein change: p.Arg420fs; shifts the reading frame from arginine 420.
Molecular consequence: frameshift variant.
Genome position (GRCh38, 1-based): chrX:47,575,175, G duplicated on the plus strand (C on the coding strand, the reverse complement: SYN1 is on the minus strand); the first of 4 consecutive G bases (chrX:47,575,175-47,575,178); duplicating any one gives the same sequence. VCF-style (leftmost placement, unchanged base first): chrX-47575174-C-CG. GRCh37 (hg19) VCF-style: chrX-47434573-C-CG.
Other names: c.1258dup, p.Arg420fs (NM_133499.2); c.1258dupC (NM_133499.2); short protein forms R420fs.
Identifiers: ClinVar variation 1700042 (VCV001700042.3), dbSNP rs2519685866, ClinGen allele CA2580101034.